The following is an entry in ClinVar:

ClinVar aggregate classification (germline): Uncertain significance. Review status: criteria provided, multiple submitters, no conflicts (2 of 4 stars). 3 submissions from 3 submitters: Uncertain significance (3). Last evaluated 2025-12-24.

Conditions:
Cranioectodermal dysplasia 1 (CED1). Also called: LEVIN SYNDROME I. Identifiers: Orphanet 1515, MedGen C0432235, MONDO:0021093, OMIM 218330.
Inborn genetic diseases. Identifiers: MedGen C0950123, MeSH D030342.

Allele frequency attached by ClinVar (database versions not stated): TOPMed 0.00005; ExAC 0.00002; gnomAD exomes 0.00004; gnomAD 0.00005.
gnomAD v4.1: 64 of 1,613,934 alleles (0.004%); highest among the groups gnomAD compares: Non-Finnish European, 0.0027%; no homozygotes.

Submissions (3):

Labcorp Genetics (formerly Invitae), Labcorp
Classification: Uncertain significance for Cranioectodermal dysplasia 1. Last evaluated: 2025-12-24. Review status: criteria provided, single submitter. Criteria: Invitae Variant Classification Sherloc (09022015). Collection method: clinical testing. Allele origin: germline.
Comment: This sequence change replaces isoleucine, which is neutral and non-polar, with valine, which is neutral and non-polar, at codon 304 of the IFT122 protein (p.Ile304Val). This variant is present in population databases (rs752373667, gnomAD 0.1%). This variant has not been reported in the literature in individuals affected with IFT122-related conditions. ClinVar contains an entry for this variant (Variation ID: 2155386). Invitae Evidence Modeling of protein sequence and biophysical properties (such as structural, functional, and spatial information, amino acid conservation, physicochemical variation, residue mobility, and thermodynamic stability) indicates that this missense variant is not expected to disrupt IFT122 protein function with a negative predictive value of 80%. In summary, the available evidence is currently insufficient to determine the role of this variant in disease. Therefore, it has been classified as a Variant of Uncertain Significance.

Ambry Genetics
Classification: Uncertain significance for Inborn genetic diseases. Last evaluated: 2025-06-03. Review status: criteria provided, single submitter. Criteria: Ambry Variant Classification Scheme 2023. Collection method: clinical testing. Allele origin: germline.

GeneDx
Classification: Uncertain significance. Last evaluated: 2025-01-23. Review status: criteria provided, single submitter. Criteria: GeneDx Variant Classification Process June 2021. Collection method: clinical testing. Allele origin: germline. Affected: yes.
Comment: In silico analysis indicates that this missense variant does not alter protein structure/function; Has not been previously published as pathogenic or benign to our knowledge

NM_052989.3(IFT122):c.757A>G (p.Ile253Val)

Gene: IFT122 (intraflagellar transport 122; plus strand). Cytogenetic location: 3q21.3.
Variant type: single nucleotide variant.
Coding change: c.757A>G on transcript NM_052989.3 (MANE Select); coding-DNA position 757, A replaced by G.
Protein change: p.Ile253Val; replaces isoleucine 253 with valine.
Molecular consequence: missense variant.
Genome position (GRCh38, 1-based): chr3:129,469,358, A>G. VCF-style: chr3-129469358-A-G. GRCh37 (hg19) VCF-style: chr3-129188201-A-G.
Other names: c.733A>G, p.Ile245Val (NM_001280541.2); c.307A>G, p.Ile103Val (NM_001280545.2); c.130A>G, p.Ile44Val (NM_001280546.2); c.757A>G, p.Ile253Val (NM_001410808.1, NM_001410809.1); c.580A>G, p.Ile194Val (NM_001410810.1, NM_001410811.1, NM_001410813.1 and 1 more transcripts); c.424A>G, p.Ile142Val (NM_001410815.1, NM_001410817.1, NM_052990.3); c.910A>G, p.Ile304Val (NM_052985.4); c.910A>G (NM_052985.2, NM_052985.3); short protein forms I253V, I304V, I142V, I245V, I44V, I103V, I194V.
Identifiers: ClinVar variation 2155386 (VCV002155386.6), dbSNP rs752373667, ClinGen allele CA2605982.